The following is an entry in ClinVar:

NM_000263.4(NAGLU):c.1503G>A (p.Val501=)

Gene: NAGLU (N-acetyl-alpha-glucosaminidase; plus strand). Cytogenetic location: 17q21.2.
Variant type: single nucleotide variant.
Coding change: c.1503G>A on transcript NM_000263.4 (MANE Select); coding-DNA position 1503, G replaced by A.
Protein change: p.Val501=; no amino-acid change (valine 501 retained).
Molecular consequence: synonymous variant.
Genome position (GRCh38, 1-based): chr17:42,543,509, G>A. VCF-style: chr17-42543509-G-A. GRCh37 (hg19) VCF-style: chr17-40695527-G-A.
Identifiers: ClinVar variation 323301 (VCV000323301.45), dbSNP rs537078152, ClinGen allele CA8577039.

ClinVar aggregate classification (germline): Conflicting classifications of pathogenicity. Review status: criteria provided, conflicting classifications (1 of 4 stars). 7 submissions from 7 submitters: Uncertain significance (1); Benign (1); Likely benign (4). 1 of the submissions does not count toward it. Last evaluated 2026-03-24.

Conditions:
NAGLU-related disorder. Also called: NAGLU-related condition.
Charcot-Marie-Tooth disease axonal type 2V. Also called: CHARCOT-MARIE-TOOTH NEUROPATHY, TYPE 2V; CHARCOT-MARIE-TOOTH DISEASE, AXONAL, AUTOSOMAL DOMINANT, TYPE 2V. Identifiers: Orphanet 447964, MedGen C5569050, MONDO:0014665, OMIM 616491.
Mucopolysaccharidosis, MPS-III-B (MPS3B). Also called: Mucopolysaccharidosis type IIIB (Sanfilippo B); MPS IIIB (Sanfilippo Syndrome Type B); N-ACETYL-ALPHA-D-GLUCOSAMINIDASE DEFICIENCY; NAGLU DEFICIENCY; SANFILIPPO SYNDROME B; MUCOPOLYSACCHARIDOSIS, TYPE IIIB. Identifiers: Orphanet 79270, MedGen C0086648, MONDO:0009656, OMIM 252920.

Allele frequency attached by ClinVar (database versions not stated): gnomAD 0.00001 and 0.00020; TOPMed 0.00003; gnomAD exomes 0.00031 and 0.00061; ExAC 0.00086; 1000 Genomes Project 0.00140; 1000 Genomes Project 30x 0.00156.
gnomAD v4.1: 478 of 1,605,062 alleles (0.03%); highest among the groups gnomAD compares: South Asian, 0.5%; 2 homozygotes.

Submissions (7):

PreventionGenetics, part of Exact Sciences
Classification: Likely benign for NAGLU-related condition. Last evaluated: 2026-03-24. Review status: criteria provided, single submitter. Criteria: ACMG Guidelines, 2015. Collection method: clinical testing. Allele origin: germline.
Comment: This variant is classified as likely benign based on ACMG/AMP sequence variant interpretation guidelines (Richards et al. 2015 PMID: 25741868, with internal and published modifications).

Women's Health and Genetics/Laboratory Corporation of America, LabCorp
Classification: Likely benign. Last evaluated: 2026-03-09. Review status: criteria provided, single submitter. Criteria: LabCorp Variant Classification Summary - May 2015. Collection method: clinical testing. Allele origin: germline.

Labcorp Genetics (formerly Invitae), Labcorp
Classification: Benign for Charcot-Marie-Tooth disease axonal type 2V; Mucopolysaccharidosis, MPS-III-B. Last evaluated: 2026-02-03. Review status: criteria provided, single submitter. Criteria: Invitae Variant Classification Sherloc (09022015). Collection method: clinical testing. Allele origin: germline.

CeGaT Center for Human Genetics Tuebingen
Classification: Likely benign. Last evaluated: 2024-05-01. Review status: criteria provided, single submitter. Criteria: CeGaT Center For Human Genetics Tuebingen Variant Classification Criteria Version 2. Collection method: clinical testing. Allele origin: germline. Affected: yes. Observed: 2 variant alleles.
Comment: NAGLU: BP4, BP7

Blueprint Genetics
Classification: Likely benign. Last evaluated: 2023-10-25. Review status: criteria provided, single submitter. Criteria: ACMG Guidelines, 2015. Collection method: clinical testing. Allele origin: germline.

Illumina Laboratory Services, Illumina
Classification: Uncertain significance for Mucopolysaccharidosis, MPS-III-B. Last evaluated: 2018-01-13. Review status: criteria provided, single submitter. Criteria: ICSL Variant Classification Criteria 13 December 2019. Collection method: clinical testing. Allele origin: germline.

Natera, Inc.
Classification: Benign for Mucopolysaccharidosis type IIIB. Last evaluated: 2019-11-11. Review status: no assertion criteria provided. Collection method: clinical testing. Allele origin: germline. Not counted in ClinVar's aggregate classification.